The following is an entry in ClinVar:

ClinVar aggregate classification (germline): Likely benign. Review status: criteria provided, multiple submitters, no conflicts (2 of 4 stars). 2 submissions from 2 submitters: Likely benign (2). Last evaluated 2026-01-13.

Conditions:
KMT2D-related disorder. Also called: KMT2D-Related Disorders.
Kabuki syndrome. Also called: Kabuki make-up syndrome; NIIKAWA-KUROKI SYNDROME. Identifiers: Orphanet 2322, MedGen C0796004, MONDO:0016512.

Submissions (2):

Labcorp Genetics (formerly Invitae), Labcorp
Classification: Likely benign for Kabuki syndrome. Last evaluated: 2026-01-13. Review status: criteria provided, single submitter. Criteria: Invitae Variant Classification Sherloc (09022015). Collection method: clinical testing. Allele origin: germline.

PreventionGenetics, part of Exact Sciences
Classification: Likely benign for KMT2D-related condition. Last evaluated: 2025-10-01. Review status: criteria provided, single submitter. Criteria: ACMG Guidelines, 2015. Collection method: clinical testing. Allele origin: germline.
Comment: This variant is classified as likely benign based on ACMG/AMP sequence variant interpretation guidelines (Richards et al. 2015 PMID: 25741868, with internal and published modifications).

NM_003482.4(KMT2D):c.5583G>A (p.Glu1861=)

Gene: KMT2D (lysine methyltransferase 2D; minus strand). Cytogenetic location: 12q13.12.
Variant type: single nucleotide variant.
Coding change: c.5583G>A on transcript NM_003482.4 (MANE Select); coding-DNA position 5583, G replaced by A.
Protein change: p.Glu1861=; no amino-acid change (glutamic acid 1861 retained).
Molecular consequence: synonymous variant.
Genome position (GRCh38, 1-based): chr12:49,043,137, C>T on the plus strand (G>A on the coding strand, the complement: KMT2D is on the minus strand). VCF-style: chr12-49043137-C-T. GRCh37 (hg19) VCF-style: chr12-49436920-C-T.
Identifiers: ClinVar variation 3702711 (VCV003702711.3).